The following is an entry in ClinVar:

NM_004369.4(COL6A3):c.9281C>T (p.Thr3094Ile)

Gene: COL6A3 (collagen type VI alpha 3 chain; minus strand). Cytogenetic location: 2q37.3.
Variant type: single nucleotide variant.
Coding change: c.9281C>T on transcript NM_004369.4 (MANE Select); coding-DNA position 9281, C replaced by T.
Protein change: p.Thr3094Ile; replaces threonine 3094 with isoleucine.
Molecular consequence: missense variant.
Genome position (GRCh38, 1-based): chr2:237,333,497, G>A on the plus strand (C>T on the coding strand, the complement: COL6A3 is on the minus strand). VCF-style: chr2-237333497-G-A. GRCh37 (hg19) VCF-style: chr2-238242140-G-A.
Other names: c.7460C>T, p.Thr2487Ile (NM_057166.5); c.8663C>T, p.Thr2888Ile (NM_057167.4); short protein forms T2487I, T2888I, T3094I.
Identifiers: ClinVar variation 845090 (VCV000845090.10), dbSNP rs1700373011, ClinGen allele CA351187325.

ClinVar aggregate classification (germline): Uncertain significance (1 of 4 stars; one submission).

Conditions:
Bethlem myopathy 1A. Also called: MYOPATHY, BENIGN CONGENITAL, WITH CONTRACTURES; Bethlem Muscular Dystrophy; Bethlem myopathy 1. Identifiers: Orphanet 610, MedGen CN029274, MONDO:0024530, OMIM 158810.

Submission:

Labcorp Genetics (formerly Invitae), Labcorp
Classification: Uncertain significance for Bethlem myopathy 1A. Last evaluated: 2022-10-17. Review status: criteria provided, single submitter. Criteria: Invitae Variant Classification Sherloc (09022015). Collection method: clinical testing. Allele origin: germline.
Comment: This variant is not present in population databases (gnomAD no frequency). This sequence change replaces threonine, which is neutral and polar, with isoleucine, which is neutral and non-polar, at codon 3094 of the COL6A3 protein (p.Thr3094Ile). This variant has not been reported in the literature in individuals affected with COL6A3-related conditions. ClinVar contains an entry for this variant (Variation ID: 845090). Advanced modeling of protein sequence and biophysical properties (such as structural, functional, and spatial information, amino acid conservation, physicochemical variation, residue mobility, and thermodynamic stability) performed at Invitae indicates that this missense variant is not expected to disrupt COL6A3 protein function. In summary, the available evidence is currently insufficient to determine the role of this variant in disease. Therefore, it has been classified as a Variant of Uncertain Significance.